The following is an entry in ClinVar:

ClinVar aggregate classification (germline): Likely benign. Review status: criteria provided, multiple submitters, no conflicts (2 of 4 stars). 3 submissions from 3 submitters: Likely benign (3). Last evaluated 2026-01-16.

Conditions:
KIDINS220-related disorder. Also called: KIDINS220-related condition.

Allele frequency attached by ClinVar (database versions not stated): gnomAD 0.00001; TOPMed 0.00002; gnomAD exomes 0.00003 and 0.00006.
gnomAD v4.1: 97 of 1,613,924 alleles (0.006%); highest among the groups gnomAD compares: Non-Finnish European, 0.0074%; no homozygotes.

Submissions (3):

PreventionGenetics, part of Exact Sciences
Classification: Likely benign for KIDINS220-related condition. Last evaluated: 2026-01-16. Review status: criteria provided, single submitter. Criteria: ACMG Guidelines, 2015. Collection method: clinical testing. Allele origin: germline.
Comment: This variant is classified as likely benign based on ACMG/AMP sequence variant interpretation guidelines (Richards et al. 2015 PMID: 25741868, with internal and published modifications).

Labcorp Genetics (formerly Invitae), Labcorp
Classification: Likely benign. Last evaluated: 2023-07-26. Review status: criteria provided, single submitter. Criteria: Invitae Variant Classification Sherloc (09022015). Collection method: clinical testing. Allele origin: germline.

CeGaT Center for Human Genetics Tuebingen
Classification: Likely benign. Last evaluated: 2023-02-01. Review status: criteria provided, single submitter. Criteria: CeGaT Center For Human Genetics Tuebingen Variant Classification Criteria Version 2. Collection method: clinical testing. Allele origin: germline. Affected: yes. Observed: 1 variant allele.
Comment: KIDINS220: BP4, BP7

NM_020738.4(KIDINS220):c.1866G>A (p.Ser622=)

Gene: KIDINS220 (kinase D interacting substrate 220; minus strand). Cytogenetic location: 2p25.1.
Variant type: single nucleotide variant.
Coding change: c.1866G>A on transcript NM_020738.4 (MANE Select); coding-DNA position 1866, G replaced by A.
Protein change: p.Ser622=; no amino-acid change (serine 622 retained).
Molecular consequence: synonymous variant. On other transcripts: non-coding transcript variant (2).
Genome position (GRCh38, 1-based): chr2:8,786,279, C>T on the plus strand (G>A on the coding strand, the complement: KIDINS220 is on the minus strand). VCF-style: chr2-8786279-C-T. GRCh37 (hg19) VCF-style: chr2-8926409-C-T.
Other names: c.1869G>A, p.Ser623= (NM_001348729.2, NM_001348731.2, NM_001348734.2 and 3 more transcripts); c.1866G>A, p.Ser622= (NM_001348732.2, NM_001348735.2, NM_001348738.2 and 3 more transcripts); c.1740G>A, p.Ser580= (NM_001348736.2); c.1866G>A (NM_020738.2).
Identifiers: ClinVar variation 1421251 (VCV001421251.30), dbSNP rs1206695052, ClinGen allele CA425084145.